The following is an entry in ClinVar:

ClinVar aggregate classification (germline): Uncertain significance. Review status: criteria provided, multiple submitters, no conflicts (2 of 4 stars). 6 submissions from 6 submitters: Uncertain significance (6). Last evaluated 2025-12-24.

Conditions:
GATM-related disorder. Also called: GATM-related condition.
Arginine:glycine amidinotransferase deficiency (CCDS3). Also called: L-Arginine:Glycine Amidinotransferase Deficiency; AGAT deficiency; Creatine deficiency syndrome due to AGAT deficiency; GATM deficiency; L-Arginine:Glycine Amidinotransferase (AGAT) Deficiency; Cerebral creatine deficiency syndrome 3. Identifiers: Orphanet 35704, MedGen C2675179, MONDO:0012996, OMIM 612718.
Fanconi renotubular syndrome 1. Also called: LUDER-SHELDON SYNDROME; Toni-Debre-Fanconi syndrome; Neonatal De Toni-Debre-Fanconi syndrome; De Toni-Fanconi syndrome; FRTS1. Identifiers: MedGen C4551503, MONDO:0024525, OMIM 134600.
Inborn genetic diseases. Identifiers: MedGen C0950123, MeSH D030342.

Allele frequency attached by ClinVar (database versions not stated): gnomAD exomes 0.00019 and 0.00026; TOPMed 0.00019; ExAC 0.00020; gnomAD 0.00021 and 0.00022; ESP Exome Variant Server 0.00031.
gnomAD v4.1: 401 of 1,614,004 alleles (0.025%); highest among the groups gnomAD compares: Non-Finnish European, 0.033%; no homozygotes.

Submissions (7):

Labcorp Genetics (formerly Invitae), Labcorp
Classification: Uncertain significance for Arginine:glycine amidinotransferase deficiency. Last evaluated: 2025-12-24. Review status: criteria provided, single submitter. Criteria: Invitae Variant Classification Sherloc (09022015). Collection method: clinical testing. Allele origin: germline.
Comment: This sequence change replaces aspartic acid, which is acidic and polar, with glycine, which is neutral and non-polar, at codon 234 of the GATM protein (p.Asp234Gly). This variant is present in population databases (rs146057680, gnomAD 0.04%). This variant has not been reported in the literature in individuals affected with GATM-related conditions. ClinVar contains an entry for this variant (Variation ID: 205624). Invitae Evidence Modeling of protein sequence and biophysical properties (such as structural, functional, and spatial information, amino acid conservation, physicochemical variation, residue mobility, and thermodynamic stability) has been performed for this missense variant. However, the output from this modeling did not meet the statistical confidence thresholds required to predict the impact of this variant on GATM protein function. Experimental studies have shown that this missense change does not substantially affect GATM function (PMID: 27233232). In summary, the available evidence is currently insufficient to determine the role of this variant in disease. Therefore, it has been classified as a Variant of Uncertain Significance.

PreventionGenetics, part of Exact Sciences
Classification: Uncertain significance for GATM-related condition. Last evaluated: 2025-07-03. Review status: criteria provided, single submitter. Criteria: ACMG Guidelines, 2015. Collection method: clinical testing. Allele origin: germline.
Comment: The GATM c.701A>G variant is predicted to result in the amino acid substitution p.Asp234Gly. To our knowledge, this variant has not been reported in affected individuals the literature. Experimental studies have shown that this variant retains >50% of GAMT activity and was considered benign (DesRoches et al. 2016. PubMed ID: 27233232). This variant is reported in 0.039% of alleles in individuals of European (Non-Finnish) descent in gnomAD. At this time, the clinical significance of this variant is uncertain due to the absence of conclusive functional and genetic evidence.

Mayo Clinic Laboratories, Mayo Clinic
Classification: Uncertain significance. Last evaluated: 2025-01-30. Review status: criteria provided, single submitter. Criteria: ACMG Guidelines, 2015. Collection method: clinical testing. Allele origin: germline. Observed: 1 variant allele.
Comment: BS3

Fulgent Genetics
Classification: Uncertain significance for Fanconi renotubular syndrome 1; Arginine:glycine amidinotransferase deficiency. Last evaluated: 2024-04-10. Review status: criteria provided, single submitter. Criteria: ACMG Guidelines, 2015. Collection method: clinical testing. Allele origin: germline.

GeneDx
Classification: Uncertain significance. Last evaluated: 2023-10-02. Review status: criteria provided, single submitter. Criteria: GeneDx Variant Classification Process June 2021. Collection method: clinical testing. Allele origin: germline. Affected: yes.
Comment: Published functional studies demonstrate no damaging effect (DesRoches et al., 2016); In silico analysis supports that this missense variant has a deleterious effect on protein structure/function; This variant is associated with the following publications: (PMID: 27233232)

Ambry Genetics
Classification: Uncertain significance for Inborn genetic diseases. Last evaluated: 2020-07-28. Review status: criteria provided, single submitter. Criteria: Ambry Variant Classification Scheme 2023. Collection method: clinical testing. Allele origin: germline.
Comment: The p.D234G variant (also known as c.701A>G), located in coding exon 5 of the GATM gene, results from an A to G substitution at nucleotide position 701. The aspartic acid at codon 234 is replaced by glycine, an amino acid with similar properties. In an assay of GATM activity this alteration was found to be functionally normal (DesRoches CL et al. Hum. Mutat., 2016 09;37:926-32). This amino acid position is highly conserved in available vertebrate species. In addition, the in silico prediction for this alteration is inconclusive. Since supporting evidence is limited at this time, the clinical significance of this alteration remains unclear.

Hospital for Sick Children
No classification provided (evidence only). Review status: no classification provided. Collection method: in vitro. Allele origin: not applicable. Functional consequence: no known functional consequence. Not counted in ClinVar's aggregate classification.
ClinVar note: "not provided" was previously submitted as the classification for the variant. However, the classification appeared to be based only on an observation of functional data so it was converted to no classification on 2025-07-30.

Literature cited by the submitters: PubMed 27233232 (cited by 4 submitters); PubMed 27577545 (cited by Ambry Genetics).

NM_001482.3(GATM):c.701A>G (p.Asp234Gly)

Gene: GATM (glycine amidinotransferase; minus strand). Cytogenetic location: 15q21.1.
Variant type: single nucleotide variant.
Coding change: c.701A>G on transcript NM_001482.3 (MANE Select); coding-DNA position 701, A replaced by G.
Protein change: p.Asp234Gly; replaces aspartic acid 234 with glycine.
Molecular consequence: missense variant.
Genome position (GRCh38, 1-based): chr15:45,366,483, T>C on the plus strand (A>G on the coding strand, the complement: GATM is on the minus strand). VCF-style: chr15-45366483-T-C. GRCh37 (hg19) VCF-style: chr15-45658681-T-C.
Other names: p.D234G:GAC>GGC; c.314A>G, p.Asp105Gly (NM_001321015.2); short protein forms D234G, D105G.
Identifiers: ClinVar variation 205624 (VCV000205624.19), dbSNP rs146057680, ClinGen allele CA314890.